The following is an entry in ClinVar:

NM_001148.6(ANK2):c.9464A>T (p.Asp3155Val)

Gene: ANK2 (ankyrin 2; plus strand). Cytogenetic location: 4q26.
Variant type: single nucleotide variant.
Coding change: c.9464A>T on transcript NM_001148.6 (MANE Select); coding-DNA position 9464, A replaced by T.
Protein change: p.Asp3155Val; replaces aspartic acid 3155 with valine.
Molecular consequence: missense variant. On other transcripts: intron variant (68).
Genome position (GRCh38, 1-based): chr4:113,358,082, A>T. VCF-style: chr4-113358082-A-T. GRCh37 (hg19) VCF-style: chr4-114279238-A-T.
Other names: c.9230A>T, p.Asp3077Val (NM_001386142.1); c.5864A>T, p.Asp1955Val (NM_001386166.1); c.9605A>T, p.Asp3202Val (NM_001386174.1); c.9581A>T, p.Asp3194Val (NM_001386175.1); c.4412-2741A>T (NM_001386186.2, NM_001386148.2); c.4214-2741A>T (NM_001354269.3); c.4292-2741A>T (NM_001386187.2); c.4253-2741A>T (NM_001386147.1); and 35 more; short protein forms D3194V, D3202V, D1955V, D3077V, D3155V.
Identifiers: ClinVar variation 3863857 (VCV003863857.1).
Genomic context (GRCh38, chr4:113,358,082, plus strand): 5'-GTCAAGAATCCAGGGAAGAGACTCTCTCTGAAGATGTGAAAGAAGGGGCTACTGGGGCTG[A>T]TCCCCTACCGCTGGAGACATCAGCTGAATCACTAGCACTTTCAGAATCAAAAGAAACAGT-3'
Protein context (NP_001139.3, residues 3145-3165): EDVKEGATGA[Asp3155Val]PLPLETSAES

ClinVar aggregate classification (germline): Uncertain significance (1 of 4 stars; one submission).

Conditions:
Cardiovascular phenotype. Identifiers: MedGen CN230736.

gnomAD v4.1: 1 of 1,614,110 alleles (0.000062%); highest among the groups gnomAD compares: Admixed American, 0.0017%; no homozygotes.

Submission:

Ambry Genetics
Classification: Uncertain significance for Cardiovascular phenotype. Last evaluated: 2024-12-17. Review status: criteria provided, single submitter. Criteria: Ambry Variant Classification Scheme 2023. Collection method: clinical testing. Allele origin: germline.
Comment: The p.D3155V variant (also known as c.9464A>T), located in coding exon 38 of the ANK2 gene, results from an A to T substitution at nucleotide position 9464. The aspartic acid at codon 3155 is replaced by valine, an amino acid with highly dissimilar properties. This amino acid position is conserved. In addition, the in silico prediction for this alteration is inconclusive. Based on the available evidence, the clinical significance of this variant remains unclear.